The following is an entry in ClinVar:

ClinVar aggregate classification (germline): Likely benign (1 of 4 stars; one submission).

gnomAD v4.1: 26 of 1,613,900 alleles (0.0016%); highest among the groups gnomAD compares: Non-Finnish European, 0.0022%; no homozygotes.

Submission:

Women's Health and Genetics/Laboratory Corporation of America, LabCorp
Classification: Likely benign. Last evaluated: 2021-09-13. Review status: criteria provided, single submitter. Criteria: LabCorp Variant Classification Summary - May 2015. Collection method: clinical testing. Allele origin: germline.
Comment: Variant summary: A2ML1 c.921G>C alters a conserved nucleotide resulting in a synonymous change. 4/4 computational tools predict no significant impact on normal splicing. However, these predictions have yet to be confirmed by functional studies. The variant allele was found at a frequency of 2e-05 in 249404 control chromosomes. The available data on variant occurrences in the general population are insufficient to allow any conclusion about variant significance. To our knowledge, no occurrence of c.921G>C in individuals affected with Noonan Syndrome and no experimental evidence demonstrating its impact on protein function have been reported. One clinical diagnostic laboratory has submitted clinical-significance assessments for this variant to ClinVar after 2014 without evidence for independent evaluation. One laboratory classified the variant as likely benign. Based on the evidence outlined above, the variant was classified as likely benign.

NM_144670.6(A2ML1):c.921G>C (p.Ala307=)

Gene: A2ML1 (alpha-2-macroglobulin like 1; plus strand). Cytogenetic location: 12p13.31.
Variant type: single nucleotide variant.
Coding change: c.921G>C on transcript NM_144670.6 (MANE Select); coding-DNA position 921, G replaced by C.
Protein change: p.Ala307=; no amino-acid change (alanine 307 retained).
Molecular consequence: synonymous variant.
Genome position (GRCh38, 1-based): chr12:8,838,401, G>C. VCF-style: chr12-8838401-G-C. GRCh37 (hg19) VCF-style: chr12-8990997-G-C.
Identifiers: ClinVar variation 1301381 (VCV001301381.1), dbSNP rs372520121, ClinGen allele CA6435478.